The following is an entry in ClinVar:

NM_002691.4(POLD1):c.3218+14C>T

Gene: POLD1 (DNA polymerase delta 1, catalytic subunit; plus strand). Cytogenetic location: 19q13.33.
Variant type: single nucleotide variant.
Coding change: c.3218+14C>T on transcript NM_002691.4 (MANE Select); 14 bases into the intron after coding-DNA position 3218, C replaced by T.
Molecular consequence: intron variant.
Genome position (GRCh38, 1-based): chr19:50,417,283, C>T. VCF-style: chr19-50417283-C-T. GRCh37 (hg19) VCF-style: chr19-50920540-C-T.
Other names: c.3218+14C>T (LRG_785t1, NM_001256849.1); c.3296+14C>T (LRG_785t2, NM_001308632.1).
Identifiers: ClinVar variation 386327 (VCV000386327.10), dbSNP rs1057522476, ClinGen allele CA16607939.

ClinVar aggregate classification (germline): Likely benign. Review status: criteria provided, multiple submitters, no conflicts (2 of 4 stars). 2 submissions from 2 submitters: Likely benign (2). Last evaluated 2025-06-06.

Conditions:
POLD1-related polyposis and colorectal cancer syndrome (CRCS10). Also called: Colorectal cancer, susceptibility to, 10; Colorectal cancer 10; COLORECTAL CANCER, SUSCEPTIBILITY TO, ON CHROMOSOME 19q. Identifiers: Orphanet 220460, MedGen C2675481, MONDO:0012953, OMIM 612591.

Submissions (2):

Labcorp Genetics (formerly Invitae), Labcorp
Classification: Likely benign for POLD1-related polyposis and colorectal cancer syndrome. Last evaluated: 2025-06-06. Review status: criteria provided, single submitter. Criteria: Invitae Variant Classification Sherloc (09022015). Collection method: clinical testing. Allele origin: germline.

GeneDx
Classification: Likely benign. Last evaluated: 2016-05-16. Review status: criteria provided, single submitter. Criteria: GeneDx Variant Classification (06012015). Collection method: clinical testing. Allele origin: germline. Affected: yes.
Comment: This variant is considered likely benign or benign based on one or more of the following criteria: it is a conservative change, it occurs at a poorly conserved position in the protein, it is predicted to be benign by multiple in silico algorithms, and/or has population frequency not consistent with disease.